The following is an entry in ClinVar:

NM_013262.4(MYLIP):c.857T>C (p.Met286Thr)

Gene: MYLIP (myosin regulatory light chain interacting protein; plus strand). Cytogenetic location: 6p22.3.
Variant type: single nucleotide variant.
Coding change: c.857T>C on transcript NM_013262.4 (MANE Select); coding-DNA position 857, T replaced by C.
Protein change: p.Met286Thr; replaces methionine 286 with threonine.
Molecular consequence: missense variant.
Genome position (GRCh38, 1-based): chr6:16,144,926, T>C. VCF-style: chr6-16144926-T-C. GRCh37 (hg19) VCF-style: chr6-16145157-T-C.
Other names: c.692T>C, p.Met231Thr (NM_001436627.1); short protein forms M231T, M286T.
Identifiers: ClinVar variation 4697482 (VCV004697482.1).
Genomic context (GRCh38, chr6:16,144,926, plus strand): 5'-GTTAAAGTAGATGTTCAATCTTGCCTTGCAGGTGTGACACAGTGACCAGCGCCGTGATGA[T>C]GCAGTATAGCCGTGACTTGAAGGGCCACTTGGCATCTCTGTTTCTGAATGAAAACATTAA-3'
Protein context (NP_037394.2, residues 276-296): RCDTVTSAVM[Met286Thr]QYSRDLKGHL

ClinVar aggregate classification (germline): Uncertain significance (1 of 4 stars; one submission).

gnomAD v4.1: 10 of 1,613,964 alleles (0.00062%); highest among the groups gnomAD compares: Admixed American, 0.005%; no homozygotes.

Submission:

Labcorp Genetics (formerly Invitae), Labcorp
Classification: Uncertain significance. Last evaluated: 2025-10-22. Review status: criteria provided, single submitter. Criteria: Invitae Variant Classification Sherloc (09022015). Collection method: clinical testing. Allele origin: germline.
Comment: This sequence change replaces methionine, which is neutral and non-polar, with threonine, which is neutral and polar, at codon 286 of the MYLIP protein (p.Met286Thr). This variant is present in population databases (no rsID available, gnomAD 0.006%). This variant has not been reported in the literature in individuals affected with MYLIP-related conditions. An algorithm developed to predict the effect of missense changes on protein structure and function (PolyPhen-2) suggests that this variant is likely to be tolerated. In summary, the available evidence is currently insufficient to determine the role of this variant in disease. Therefore, it has been classified as a Variant of Uncertain Significance.